The following is an entry in ClinVar:

NM_006231.4(POLE):c.3279C>T (p.Ala1093=)

Gene: POLE (DNA polymerase epsilon, catalytic subunit; minus strand). Cytogenetic location: 12q24.33.
Variant type: single nucleotide variant.
Coding change: c.3279C>T on transcript NM_006231.4 (MANE Select); coding-DNA position 3279, C replaced by T.
Protein change: p.Ala1093=; no amino-acid change (alanine 1093 retained).
Molecular consequence: synonymous variant.
Genome position (GRCh38, 1-based): chr12:132,657,967, G>A on the plus strand (C>T on the coding strand, the complement: POLE is on the minus strand). VCF-style: chr12-132657967-G-A. GRCh37 (hg19) VCF-style: chr12-133234553-G-A.
Identifiers: ClinVar variation 381946 (VCV000381946.17), dbSNP rs1057521217, ClinGen allele CA16606430.

ClinVar aggregate classification (germline): Likely benign. Review status: criteria provided, multiple submitters, no conflicts (2 of 4 stars). 4 submissions from 4 submitters: Likely benign (4). Last evaluated 2025-10-21.

Conditions:
Colorectal cancer, susceptibility to, 12 (CRCS12). Also called: COLORECTAL CANCER, SUSCEPTIBILITY TO, ON CHROMOSOME 12q24. Identifiers: Orphanet 220460, MedGen C3554460, MONDO:0014038, OMIM 615083.
Facial dysmorphism-immunodeficiency-livedo-short stature syndrome. Also called: FILS syndrome; Facial dysmorphism, immunodeficiency, livedo, and short stature. Identifiers: Orphanet 352712, MedGen C3554576, MONDO:0014058, OMIM 615139.
Intrauterine growth retardation, metaphyseal dysplasia, adrenal hypoplasia congenita, genital anomalies, and immunodeficiency. Also called: IMAGEI SYNDROME. Identifiers: MedGen C5193036, MONDO:0032684, OMIM 618336.
Hereditary cancer-predisposing syndrome. Also called: Tumor predisposition; Hereditary neoplastic syndrome; Neoplastic Syndromes, Hereditary; Hereditary Cancer Syndrome. Identifiers: Orphanet 140162, MedGen C0027672, MeSH D009386, MONDO:0015356.

gnomAD v4.1: 7 of 1,609,428 alleles (0.00043%); highest among the groups gnomAD compares: Non-Finnish European, 0.0006%; no homozygotes.

Submissions (4):

Labcorp Genetics (formerly Invitae), Labcorp
Classification: Likely benign. Last evaluated: 2025-10-21. Review status: criteria provided, single submitter. Criteria: Invitae Variant Classification Sherloc (09022015). Collection method: clinical testing. Allele origin: germline.

Department of Pathology and Laboratory Medicine, Sinai Health System
Classification: Likely benign for Colorectal cancer, susceptibility to, 12; Facial dysmorphism-immunodeficiency-livedo-short stature syndrome; Intrauterine growth retardation, metaphyseal dysplasia, adrenal hypoplasia congenita, genital anomalies, and immunodeficiency. Last evaluated: 2020-03-25. Review status: criteria provided, single submitter. Criteria: ACMG Guidelines, 2015. Collection method: clinical testing. Allele origin: germline. Affected: no.

GeneDx
Classification: Likely benign. Last evaluated: 2015-11-29. Review status: criteria provided, single submitter. Criteria: GeneDx Variant Classification (06012015). Collection method: clinical testing. Allele origin: germline. Affected: yes.
Comment: This variant is considered likely benign or benign based on one or more of the following criteria: it is a conservative change, it occurs at a poorly conserved position in the protein, it is predicted to be benign by multiple in silico algorithms, and/or has population frequency not consistent with disease.

Ambry Genetics
Classification: Likely benign for Hereditary cancer-predisposing syndrome. Last evaluated: 2015-06-30. Review status: criteria provided, single submitter. Criteria: Ambry Variant Classification Scheme 2023. Collection method: clinical testing. Allele origin: germline.